The following is an entry in ClinVar:

ClinVar aggregate classification (germline): Uncertain significance (1 of 4 stars; one submission).

Conditions:
Inborn genetic diseases. Identifiers: MedGen C0950123, MeSH D030342.

Submission:

Ambry Genetics
Classification: Uncertain significance for Inborn genetic diseases. Last evaluated: 2024-11-09. Review status: criteria provided, single submitter. Criteria: Ambry Variant Classification Scheme 2023. Collection method: clinical testing. Allele origin: germline.
Comment: The p.A1904P variant (also known as c.5710G>C), located in coding exon 39 of the LRRK2 gene, results from a G to C substitution at nucleotide position 5710. The alanine at codon 1904 is replaced by proline, an amino acid with highly similar properties. This amino acid position is conserved. In addition, this alteration is predicted to be deleterious by in silico analysis. Based on the available evidence, the clinical significance of this variant remains unclear.

NM_198578.4(LRRK2):c.5710G>C (p.Ala1904Pro)

Gene: LRRK2 (leucine rich repeat kinase 2; plus strand). Cytogenetic location: 12q12.
Variant type: single nucleotide variant.
Coding change: c.5710G>C on transcript NM_198578.4 (MANE Select); coding-DNA position 5710, G replaced by C.
Protein change: p.Ala1904Pro; replaces alanine 1904 with proline.
Molecular consequence: missense variant.
Genome position (GRCh38, 1-based): chr12:40,328,413, G>C. VCF-style: chr12-40328413-G-C. GRCh37 (hg19) VCF-style: chr12-40722215-G-C.
Other names: short protein forms A1904P.
Identifiers: ClinVar variation 3540528 (VCV003540528.1).